The following is an entry in ClinVar:

ClinVar aggregate classification (germline): Uncertain significance (1 of 4 stars; one submission).

Conditions:
Immunodeficiency. Identifiers: MedGen C0021051, MONDO:0021094, HP:0002721.

Allele frequency attached by ClinVar (database versions not stated): gnomAD exomes 0.00001; TOPMed 0.00001.
gnomAD v4.1: 4 of 1,614,220 alleles (0.00025%); highest among the groups gnomAD compares: South Asian, 0.0011%; no homozygotes.

Submission:

Labcorp Genetics (formerly Invitae), Labcorp
Classification: Uncertain significance for Immunodeficiency. Last evaluated: 2022-10-03. Review status: criteria provided, single submitter. Criteria: Invitae Variant Classification Sherloc (09022015). Collection method: clinical testing. Allele origin: germline.
Comment: In summary, the available evidence is currently insufficient to determine the role of this variant in disease. Therefore, it has been classified as a Variant of Uncertain Significance. Algorithms developed to predict the effect of missense changes on protein structure and function output the following: SIFT: "Tolerated"; PolyPhen-2: "Benign"; Align-GVGD: "Class C0". The proline amino acid residue is found in multiple mammalian species, which suggests that this missense change does not adversely affect protein function. This variant has not been reported in the literature in individuals affected with NFAT5-related conditions. This variant is not present in population databases (gnomAD no frequency). This sequence change replaces threonine, which is neutral and polar, with proline, which is neutral and non-polar, at codon 1266 of the NFAT5 protein (p.Thr1266Pro).

NM_138713.4(NFAT5):c.4078A>C (p.Thr1360Pro)

Gene: NFAT5 (nuclear factor of activated T cells 5; plus strand). Cytogenetic location: 16q22.1.
Variant type: single nucleotide variant.
Coding change: c.4078A>C on transcript NM_138713.4 (MANE Select); coding-DNA position 4078, A replaced by C.
Protein change: p.Thr1360Pro; replaces threonine 1360 with proline.
Molecular consequence: missense variant.
Genome position (GRCh38, 1-based): chr16:69,693,903, A>C. VCF-style: chr16-69693903-A-C. GRCh37 (hg19) VCF-style: chr16-69727806-A-C.
Other names: c.4075A>C, p.Thr1359Pro (NM_001113178.3); c.3403A>C, p.Thr1135Pro (NM_001367709.1); c.4024A>C, p.Thr1342Pro (NM_006599.4); c.3796A>C, p.Thr1266Pro (NM_138714.4, NM_173214.3, NM_173215.3); short protein forms T1266P, T1342P, T1360P, T1135P, T1359P.
Identifiers: ClinVar variation 2082503 (VCV002082503.4), dbSNP rs2037661756, ClinGen allele CA396514872.